The following is an entry in ClinVar:

NM_000179.3(MSH6):c.179T>C (p.Leu60Ser)

Gene: MSH6 (mutS homolog 6; plus strand). Cytogenetic location: 2p16.3.
Variant type: single nucleotide variant.
Coding change: c.179T>C on transcript NM_000179.3 (MANE Select); coding-DNA position 179, T replaced by C.
Protein change: p.Leu60Ser; replaces leucine 60 with serine.
Molecular consequence: missense variant. On other transcripts: 5 prime UTR variant (1).
Genome position (GRCh38, 1-based): chr2:47,783,412, T>C. VCF-style: chr2-47783412-T-C. GRCh37 (hg19) VCF-style: chr2-48010551-T-C.
Other names: c.179T>C, p.Leu60Ser (NM_001281492.2, NM_001406795.1, NM_001406796.1 and 9 more transcripts); c.-558T>C (NM_001281493.2, NM_001406811.1); c.-150T>C (NM_001406799.1); c.124T>C, p.Trp42Arg (NM_001406804.1); c.-750T>C (NM_001406807.1); c.-405T>C (NM_001406812.1); c.-816T>C (NM_001406814.1); c.-361T>C (NM_001406816.1); short protein forms L60S, W42R.
Identifiers: ClinVar variation 1717235 (VCV001717235.6), dbSNP rs1668129543, ClinGen allele CA346735011.
Genomic context (GRCh38, chr2:47,783,412, plus strand): 5'-CCTCTCCTTCCCCAGGCGGGGATGCGGCCTGGAGCGAGGCTGGGCCTGGGCCCAGGCCCT[T>C]GGCGCGCTCCGCGTCACCGCCCAAGGCGAAGAACCTCAACGGAGGGCTGCGGAGATCGGT-3'
Protein context (NP_000170.1, residues 50-70): WSEAGPGPRP[Leu60Ser]ARSASPPKAK

ClinVar aggregate classification (germline): Uncertain significance (1 of 4 stars; one submission).

Conditions:
Hereditary nonpolyposis colorectal neoplasms. Identifiers: MedGen C0009405, MeSH D003123.

Submission:

Labcorp Genetics (formerly Invitae), Labcorp
Classification: Uncertain significance for Hereditary nonpolyposis colorectal neoplasms. Last evaluated: 2022-08-21. Review status: criteria provided, single submitter. Criteria: Invitae Variant Classification Sherloc (09022015). Collection method: clinical testing. Allele origin: germline.
Comment: This sequence change replaces leucine, which is neutral and non-polar, with serine, which is neutral and polar, at codon 60 of the MSH6 protein (p.Leu60Ser). This variant is not present in population databases (gnomAD no frequency). This variant has not been reported in the literature in individuals affected with MSH6-related conditions. Advanced modeling of protein sequence and biophysical properties (such as structural, functional, and spatial information, amino acid conservation, physicochemical variation, residue mobility, and thermodynamic stability) performed at Invitae indicates that this missense variant is not expected to disrupt MSH6 protein function. In summary, the available evidence is currently insufficient to determine the role of this variant in disease. Therefore, it has been classified as a Variant of Uncertain Significance.